The following is an entry in ClinVar:

ClinVar aggregate classification (germline): Uncertain significance (1 of 4 stars; one submission).

Conditions:
Cardiovascular phenotype. Identifiers: MedGen CN230736.

gnomAD v4.1: 5 of 1,613,964 alleles (0.00031%); highest among the groups gnomAD compares: East Asian, 0.0022%; no homozygotes.

Submission:

Ambry Genetics
Classification: Uncertain significance for Cardiovascular phenotype. Last evaluated: 2025-09-24. Review status: criteria provided, single submitter. Criteria: Ambry Variant Classification Scheme 2023. Collection method: clinical testing. Allele origin: germline.
Comment: The p.P630A variant (also known as c.1888C>G), located in coding exon 14 of the MYH7 gene, results from a C to G substitution at nucleotide position 1888. The proline at codon 630 is replaced by alanine, an amino acid with highly similar properties. This amino acid position is not well conserved in available vertebrate species. In addition, this alteration is predicted to be tolerated by in silico analysis. Based on the available evidence, the clinical significance of this variant remains unclear.

NM_000257.4(MYH7):c.1888C>G (p.Pro630Ala)

Gene: MYH7 (myosin heavy chain 7; minus strand). Cytogenetic location: 14q11.2.
Variant type: single nucleotide variant.
Coding change: c.1888C>G on transcript NM_000257.4 (MANE Select); coding-DNA position 1888, C replaced by G.
Protein change: p.Pro630Ala; replaces proline 630 with alanine.
Molecular consequence: missense variant.
Genome position (GRCh38, 1-based): chr14:23,427,585, G>C on the plus strand (C>G on the coding strand, the complement: MYH7 is on the minus strand). VCF-style: chr14-23427585-G-C. GRCh37 (hg19) VCF-style: chr14-23896794-G-C.
Other names: c.1888C>G, p.Pro630Ala (NM_001407004.1); short protein forms P630A.
Identifiers: ClinVar variation 4614639 (VCV004614639.1).